The following is an entry in ClinVar:

ClinVar aggregate classification (germline): Uncertain significance (1 of 4 stars; one submission).

Submission:

Labcorp Genetics (formerly Invitae), Labcorp
Classification: Uncertain significance. Last evaluated: 2022-11-28. Review status: criteria provided, single submitter. Criteria: Invitae Variant Classification Sherloc (09022015). Collection method: clinical testing. Allele origin: germline.
Comment: In summary, the available evidence is currently insufficient to determine the role of this variant in disease. Therefore, it has been classified as a Variant of Uncertain Significance. Algorithms developed to predict the effect of sequence changes on RNA splicing suggest that this variant may disrupt the consensus splice site. ClinVar contains an entry for this variant (Variation ID: 1426828). This variant has not been reported in the literature in individuals affected with POLG2-related conditions. This variant is not present in population databases (gnomAD no frequency). This sequence change falls in intron 5 of the POLG2 gene. It does not directly change the encoded amino acid sequence of the POLG2 protein.

NM_007215.4(POLG2):c.1111-10A>G

Genes: MILR1 (mast cell immunoglobulin like receptor 1; plus strand), POLG2 (DNA polymerase gamma 2, accessory subunit; minus strand). Cytogenetic location: 17q23.3.
Variant type: single nucleotide variant.
Coding change: c.1111-10A>G on transcript NM_007215.4 (MANE Select); 10 bases into the intron before coding-DNA position 1111, A replaced by G.
Molecular consequence: intron variant.
Genome position (GRCh38, 1-based): chr17:64,483,009, T>C on the plus strand (A>G on the coding strand, the complement: POLG2 is on the minus strand). VCF-style: chr17-64483009-T-C. GRCh37 (hg19) VCF-style: chr17-62479126-T-C.
Identifiers: ClinVar variation 1426828 (VCV001426828.8), dbSNP rs2037887748, ClinGen allele CA2270398593.